The following is an entry in ClinVar:

ClinVar aggregate classification (germline): Likely benign. Review status: criteria provided, multiple submitters, no conflicts (2 of 4 stars). 3 submissions from 3 submitters: Likely benign (3). Last evaluated 2025-12-29.

Conditions:
Autosomal recessive limb-girdle muscular dystrophy type 2J (LGMDR10). Also called: Limb-girdle muscular dystrophy, type 2J; MUSCULAR DYSTROPHY, LIMB-GIRDLE, AUTOSOMAL RECESSIVE 10. Identifiers: Orphanet 140922, MedGen C1837342, MONDO:0012127, OMIM 608807.
Dilated cardiomyopathy 1G (CMD1G). Identifiers: Orphanet 154, MedGen C1858763, MONDO:0011400, OMIM 604145.

Allele frequency attached by ClinVar (database versions not stated): TOPMed below 0.00001.

Submissions (3):

Labcorp Genetics (formerly Invitae), Labcorp
Classification: Likely benign for Dilated cardiomyopathy 1G; Autosomal recessive limb-girdle muscular dystrophy type 2J. Last evaluated: 2025-12-29. Review status: criteria provided, single submitter. Criteria: Invitae Variant Classification Sherloc (09022015). Collection method: clinical testing. Allele origin: germline.

ARUP Laboratories, Molecular Genetics and Genomics, ARUP Laboratories
Classification: Likely benign. Last evaluated: 2023-09-28. Review status: criteria provided, single submitter. Criteria: ARUP Molecular Germline Variant Investigation Process 2024. Collection method: clinical testing. Allele origin: germline.

GeneDx
Classification: Likely benign. Last evaluated: 2017-06-21. Review status: criteria provided, single submitter. Criteria: GeneDx Variant Classification (06012015). Collection method: clinical testing. Allele origin: germline. Affected: yes.
Comment: This variant is considered likely benign or benign based on one or more of the following criteria: it is a conservative change, it occurs at a poorly conserved position in the protein, it is predicted to be benign by multiple in silico algorithms, and/or has population frequency not consistent with disease.

NM_001267550.2(TTN):c.68365T>C (p.Leu22789=)

Genes: TTN (titin; minus strand), TTN-AS1 (TTN antisense RNA 1; plus strand). Cytogenetic location: 2q31.2.
Variant type: single nucleotide variant.
Coding change: c.68365T>C on transcript NM_001267550.2 (MANE Select); coding-DNA position 68365, T replaced by C.
Protein change: p.Leu22789=; no amino-acid change (leucine 22789 retained).
Molecular consequence: synonymous variant.
Genome position (GRCh38, 1-based): chr2:178,578,150, A>G on the plus strand (T>C on the coding strand, the complement: TTN is on the minus strand). VCF-style: chr2-178578150-A-G. GRCh37 (hg19) VCF-style: chr2-179442877-A-G.
Other names: c.63442T>C, p.Leu21148= (NM_001256850.1); c.41170T>C, p.Leu13724= (NM_003319.4); c.60661T>C, p.Leu20221= (NM_133378.4); c.41545T>C, p.Leu13849= (NM_133432.3); c.41746T>C, p.Leu13916= (NM_133437.4).
Identifiers: ClinVar variation 467411 (VCV000467411.12), dbSNP rs933098534, ClinGen allele CA61005647.